The following is an entry in ClinVar:

NM_198271.5(LMOD3):c.1600C>G (p.Pro534Ala)

Gene: LMOD3 (leiomodin 3; minus strand). Cytogenetic location: 3p14.1.
Variant type: single nucleotide variant.
Coding change: c.1600C>G on transcript NM_198271.5 (MANE Select); coding-DNA position 1600, C replaced by G.
Protein change: p.Pro534Ala; replaces proline 534 with alanine.
Molecular consequence: missense variant.
Genome position (GRCh38, 1-based): chr3:69,118,755, G>C on the plus strand (C>G on the coding strand, the complement: LMOD3 is on the minus strand). VCF-style: chr3-69118755-G-C. GRCh37 (hg19) VCF-style: chr3-69167906-G-C.
Other names: c.1600C>G, p.Pro534Ala (NM_001304418.3); short protein forms P534A.
Identifiers: ClinVar variation 846792 (VCV000846792.6), dbSNP rs2092389107, ClinGen allele CA353469701.

ClinVar aggregate classification (germline): Uncertain significance (1 of 4 stars; one submission).

Conditions:
Nemaline myopathy 10 (NEM10). Identifiers: MedGen C4015360, MONDO:0014513, OMIM 616165.

Allele frequency attached by ClinVar (database versions not stated): gnomAD exomes below 0.00001.

Submission:

Labcorp Genetics (formerly Invitae), Labcorp
Classification: Uncertain significance for Nemaline myopathy 10. Last evaluated: 2022-07-19. Review status: criteria provided, single submitter. Criteria: Invitae Variant Classification Sherloc (09022015). Collection method: clinical testing. Allele origin: germline.
Comment: This variant is not present in population databases (gnomAD no frequency). In summary, the available evidence is currently insufficient to determine the role of this variant in disease. Therefore, it has been classified as a Variant of Uncertain Significance. Algorithms developed to predict the effect of missense changes on protein structure and function (SIFT, PolyPhen-2, Align-GVGD) all suggest that this variant is likely to be disruptive. ClinVar contains an entry for this variant (Variation ID: 846792). This variant has not been reported in the literature in individuals affected with LMOD3-related conditions. This sequence change replaces proline, which is neutral and non-polar, with alanine, which is neutral and non-polar, at codon 534 of the LMOD3 protein (p.Pro534Ala).